The following is an entry in ClinVar:

NM_013275.6(ANKRD11):c.6076G>A (p.Ala2026Thr)

Gene: ANKRD11 (ankyrin repeat domain 11; minus strand). Cytogenetic location: 16q24.3.
Variant type: single nucleotide variant.
Coding change: c.6076G>A on transcript NM_013275.6 (MANE Select); coding-DNA position 6076, G replaced by A.
Protein change: p.Ala2026Thr; replaces alanine 2026 with threonine.
Molecular consequence: missense variant.
Genome position (GRCh38, 1-based): chr16:89,280,466, C>T on the plus strand (G>A on the coding strand, the complement: ANKRD11 is on the minus strand). VCF-style: chr16-89280466-C-T. GRCh37 (hg19) VCF-style: chr16-89346874-C-T.
Other names: c.6076G>A, p.Ala2026Thr (NM_001256182.2, NM_001256183.2); c.6076G>A (NM_013275.4); short protein forms A2026T.
Identifiers: ClinVar variation 2176779 (VCV002176779.5), dbSNP rs752781169, ClinGen allele CA8241603.

ClinVar aggregate classification (germline): Conflicting classifications of pathogenicity. Review status: criteria provided, conflicting classifications (1 of 4 stars). 2 submissions from 2 submitters: Uncertain significance (1); Likely benign (1). Last evaluated 2023-08-30.

Conditions:
Inborn genetic diseases. Identifiers: MedGen C0950123, MeSH D030342.
KBG syndrome (KBGS). Also called: ANKRD11-Related KBG Syndrome. Identifiers: Orphanet 2332, MedGen C0220687, MONDO:0007846, OMIM 148050.

Allele frequency attached by ClinVar (database versions not stated): gnomAD 0.00001; TOPMed 0.00001; ExAC 0.00002.
gnomAD v4.1: 14 of 1,598,628 alleles (0.00088%); highest among the groups gnomAD compares: Admixed American, 0.0085%; no homozygotes.

Submissions (2):

Labcorp Genetics (formerly Invitae), Labcorp
Classification: Uncertain significance for KBG syndrome. Last evaluated: 2023-08-30. Review status: criteria provided, single submitter. Criteria: Invitae Variant Classification Sherloc (09022015). Collection method: clinical testing. Allele origin: germline.
Comment: This sequence change replaces alanine, which is neutral and non-polar, with threonine, which is neutral and polar, at codon 2026 of the ANKRD11 protein (p.Ala2026Thr). This variant is present in population databases (rs752781169, gnomAD 0.007%). This variant has not been reported in the literature in individuals affected with ANKRD11-related conditions. ClinVar contains an entry for this variant (Variation ID: 2176779). Advanced modeling of protein sequence and biophysical properties (such as structural, functional, and spatial information, amino acid conservation, physicochemical variation, residue mobility, and thermodynamic stability) performed at Invitae indicates that this missense variant is not expected to disrupt ANKRD11 protein function. In summary, the available evidence is currently insufficient to determine the role of this variant in disease. Therefore, it has been classified as a Variant of Uncertain Significance.

Ambry Genetics
Classification: Likely benign for Inborn genetic diseases. Last evaluated: 2022-11-18. Review status: criteria provided, single submitter. Criteria: Ambry Variant Classification Scheme 2023. Collection method: clinical testing. Allele origin: germline.